The following is an entry in ClinVar:

NM_015559.3(SETBP1):c.2762A>G (p.His921Arg)

Gene: SETBP1 (SET binding protein 1; plus strand). Cytogenetic location: 18q12.3.
Variant type: single nucleotide variant.
Coding change: c.2762A>G on transcript NM_015559.3 (MANE Select); coding-DNA position 2762, A replaced by G.
Protein change: p.His921Arg; replaces histidine 921 with arginine.
Molecular consequence: missense variant.
Genome position (GRCh38, 1-based): chr18:44,952,102, A>G. VCF-style: chr18-44952102-A-G. GRCh37 (hg19) VCF-style: chr18-42532067-A-G.
Other names: c.2762A>G, p.His921Arg (NM_001379141.1, NM_001379142.1, NM_001410862.1); short protein forms H921R.
Identifiers: ClinVar variation 2637729 (VCV002637729.4), dbSNP rs1374789872, ClinGen allele CA402322155.

ClinVar aggregate classification (germline): Uncertain significance. Review status: criteria provided, multiple submitters, no conflicts (2 of 4 stars). 2 submissions from 2 submitters: Uncertain significance (2). Last evaluated 2023-10-13.

gnomAD v4.1: 4 of 1,614,098 alleles (0.00025%); highest among the groups gnomAD compares: South Asian, 0.0011%; no homozygotes.

Submissions (2):

Women's Health and Genetics/Laboratory Corporation of America, LabCorp
Classification: Uncertain significance. Last evaluated: 2023-10-13. Review status: criteria provided, single submitter. Criteria: LabCorp Variant Classification Summary - May 2015. Collection method: clinical testing. Allele origin: germline.
Comment: Variant summary: SETBP1 c.2762A>G (p.His921Arg) results in a non-conservative amino acid change in the encoded protein sequence. Three of five in-silico tools predict a benign effect of the variant on protein function. The variant allele was found at a frequency of 4e-06 in 251068 control chromosomes (gnomAD). The available data on variant occurrences in the general population are insufficient to allow any conclusion about variant significance. To our knowledge, no occurrence of c.2762A>G in individuals affected with SETBP1-Related Disorders and no experimental evidence demonstrating its impact on protein function have been reported. No submitters have cited clinical-significance assessments for this variant to ClinVar after 2014. Based on the evidence outlined above, the variant was classified as uncertain significance.

Labcorp Genetics (formerly Invitae), Labcorp
Classification: Uncertain significance. Last evaluated: 2023-07-17. Review status: criteria provided, single submitter. Criteria: Invitae Variant Classification Sherloc (09022015). Collection method: clinical testing. Allele origin: germline.
Comment: This sequence change replaces histidine, which is basic and polar, with arginine, which is basic and polar, at codon 921 of the SETBP1 protein (p.His921Arg). This variant is present in population databases (no rsID available, gnomAD 0.003%). This variant has not been reported in the literature in individuals affected with SETBP1-related conditions. Advanced modeling of protein sequence and biophysical properties (such as structural, functional, and spatial information, amino acid conservation, physicochemical variation, residue mobility, and thermodynamic stability) performed at Invitae indicates that this missense variant is not expected to disrupt SETBP1 protein function. In summary, the available evidence is currently insufficient to determine the role of this variant in disease. Therefore, it has been classified as a Variant of Uncertain Significance.